The following is an entry in ClinVar:

NM_020778.5(ALPK3):c.4308C>T (p.Phe1436=)

Gene: ALPK3 (alpha kinase 3; plus strand). Cytogenetic location: 15q25.3.
Variant type: single nucleotide variant.
Coding change: c.4308C>T on transcript NM_020778.5 (MANE Select); coding-DNA position 4308, C replaced by T.
Protein change: p.Phe1436=; no amino-acid change (phenylalanine 1436 retained).
Molecular consequence: synonymous variant.
Genome position (GRCh38, 1-based): chr15:84,862,813, C>T. VCF-style: chr15-84862813-C-T. GRCh37 (hg19) VCF-style: chr15-85406044-C-T.
Identifiers: ClinVar variation 510276 (VCV000510276.8), dbSNP rs567548946, ClinGen allele CA7709919.
Genomic context (GRCh38, chr15:84,862,813, plus strand): 5'-TGGGTGTGGCCTTCGGAAGGCCTCCCAGGCCAAGGTCATCTACGGGCTGGAACCCATCTT[C>T]GAGTCGGGCCGCACGTGCATCATCAAGGTGTCCAGCCTGCTTGTGTTTGGGCCCAGCAGT-3'
Protein context (NP_065829.4, residues 1426-1446): AKVIYGLEPI[Phe1436=]ESGRTCIIKV

ClinVar aggregate classification (germline): Likely benign. Review status: criteria provided, multiple submitters, no conflicts (2 of 4 stars). 4 submissions from 4 submitters: Likely benign (3). 1 of the submissions does not count toward it. Last evaluated 2025-07-06.

Conditions:
ALPK3-related disorder. Also called: ALPK3-related condition.
Cardiovascular phenotype. Identifiers: MedGen CN230736.

Allele frequency attached by ClinVar (database versions not stated): gnomAD exomes 0.00001; ExAC 0.00002; TOPMed 0.00002; gnomAD 0.00003; 1000 Genomes Project 30x 0.00016; 1000 Genomes Project 0.00020.
gnomAD v4.1: 11 of 1,614,098 alleles (0.00068%); highest among the groups gnomAD compares: South Asian, 0.0033%; no homozygotes.

Submissions (4):

Labcorp Genetics (formerly Invitae), Labcorp
Classification: Likely benign. Last evaluated: 2025-07-06. Review status: criteria provided, single submitter. Criteria: Invitae Variant Classification Sherloc (09022015). Collection method: clinical testing. Allele origin: germline.

Ambry Genetics
Classification: Likely benign for Cardiovascular phenotype. Last evaluated: 2022-05-24. Review status: criteria provided, single submitter. Criteria: Ambry Variant Classification Scheme 2023. Collection method: clinical testing. Allele origin: germline.

GeneDx
Classification: Likely benign. Last evaluated: 2017-06-19. Review status: criteria provided, single submitter. Criteria: GeneDx Variant Classification (06012015). Collection method: clinical testing. Allele origin: germline. Affected: yes.
Comment: This variant is considered likely benign or benign based on one or more of the following criteria: it is a conservative change, it occurs at a poorly conserved position in the protein, it is predicted to be benign by multiple in silico algorithms, and/or has population frequency not consistent with disease.

PreventionGenetics, part of Exact Sciences
Classification: Likely benign for ALPK3-related condition. Last evaluated: 2019-09-17. Review status: no assertion criteria provided. Collection method: clinical testing. Allele origin: germline. Not counted in ClinVar's aggregate classification.
Comment: This variant is classified as likely benign based on ACMG/AMP sequence variant interpretation guidelines (Richards et al. 2015 PMID: 25741868, with internal and published modifications).